The following is an entry in ClinVar:

NM_000060.4:c.511G>A

Gene: BTD (biotinidase; plus strand).
Variant type: single nucleotide variant.
Other names: p.Ala171Thr; c.511G>A (NM_000060.4).
Identifiers: ClinVar variation 4540843 (VCV004540843.1).

ClinVar aggregate classification (germline): Pathogenic (1 of 4 stars; one submission).

Submission:

Mayo Clinic Laboratories, Mayo Clinic
Classification: Pathogenic. Last evaluated: 2025-10-17. Review status: criteria provided, single submitter. Criteria: ACMG Guidelines, 2015. Collection method: clinical testing. Allele origin: germline. Observed: 1 variant allele.
Comment: PP3_moderate

Literature cited by the submitters: PubMed 10206677; PubMed 27657684; PubMed 28220409; PubMed 32235217; PubMed 35805799; PubMed 35990026; PubMed 38299772.